The following is an entry in ClinVar:

NM_004304.5(ALK):c.2300A>G (p.Lys767Arg)

Gene: ALK (ALK receptor tyrosine kinase; minus strand). Cytogenetic location: 2p23.2.
Variant type: single nucleotide variant.
Coding change: c.2300A>G on transcript NM_004304.5 (MANE Select); coding-DNA position 2300, A replaced by G.
Protein change: p.Lys767Arg; replaces lysine 767 with arginine.
Molecular consequence: missense variant.
Genome position (GRCh38, 1-based): chr2:29,239,735, T>C on the plus strand (A>G on the coding strand, the complement: ALK is on the minus strand). VCF-style: chr2-29239735-T-C. GRCh37 (hg19) VCF-style: chr2-29462601-T-C.
Other names: c.2300A>G (NM_004304.4); short protein forms K767R.
Identifiers: ClinVar variation 2163552 (VCV002163552.5), dbSNP rs2465270066, ClinGen allele CA346474412.

ClinVar aggregate classification (germline): Uncertain significance. Review status: criteria provided, multiple submitters, no conflicts (2 of 4 stars). 2 submissions from 2 submitters: Uncertain significance (2). Last evaluated 2023-10-23.

Conditions:
Hereditary cancer-predisposing syndrome. Also called: Neoplastic Syndromes, Hereditary; Hereditary neoplastic syndrome; Hereditary Cancer Syndrome; Tumor predisposition. Identifiers: Orphanet 140162, MedGen C0027672, MeSH D009386, MONDO:0015356.
Neuroblastoma, susceptibility to, 3. Also called: ALK-Related Neuroblastic Tumor Susceptibility. Identifiers: Orphanet 635, MedGen C2751681, MONDO:0013083, OMIM 613014.

Submissions (2):

Ambry Genetics
Classification: Uncertain significance for Hereditary cancer-predisposing syndrome. Last evaluated: 2023-10-23. Review status: criteria provided, single submitter. Criteria: Ambry Variant Classification Scheme 2023. Collection method: clinical testing. Allele origin: germline.
Comment: The p.K767R variant (also known as c.2300A>G), located in coding exon 13 of the ALK gene, results from an A to G substitution at nucleotide position 2300. The lysine at codon 767 is replaced by arginine, an amino acid with highly similar properties. This amino acid position is conserved. In addition, this alteration is predicted to be tolerated by in silico analysis. Since supporting evidence is limited at this time, the clinical significance of this alteration remains unclear.

Labcorp Genetics (formerly Invitae), Labcorp
Classification: Uncertain significance for Neuroblastoma, susceptibility to, 3. Last evaluated: 2022-02-09. Review status: criteria provided, single submitter. Criteria: Invitae Variant Classification Sherloc (09022015). Collection method: clinical testing. Allele origin: germline.
Comment: In summary, the available evidence is currently insufficient to determine the role of this variant in disease. Therefore, it has been classified as a Variant of Uncertain Significance. Algorithms developed to predict the effect of missense changes on protein structure and function (SIFT, PolyPhen-2, Align-GVGD) all suggest that this variant is likely to be disruptive. This variant has not been reported in the literature in individuals affected with ALK-related conditions. This variant is not present in population databases (gnomAD no frequency). This sequence change replaces lysine, which is basic and polar, with arginine, which is basic and polar, at codon 767 of the ALK protein (p.Lys767Arg).